The following is an entry in ClinVar:

ClinVar aggregate classification (germline): Uncertain significance (1 of 4 stars; one submission).

Conditions:
Cardiovascular phenotype. Identifiers: MedGen CN230736.

Submission:

Ambry Genetics
Classification: Uncertain significance for Cardiovascular phenotype. Last evaluated: 2025-03-14. Review status: criteria provided, single submitter. Criteria: Ambry Variant Classification Scheme 2023. Collection method: clinical testing. Allele origin: germline.
Comment: The p.V2247G variant (also known as c.6740T>G), located in coding exon 18 of the TNXB gene, results from a T to G substitution at nucleotide position 6740. The valine at codon 2247 is replaced by glycine, an amino acid with dissimilar properties. This amino acid position is conserved. In addition, the in silico prediction for this alteration is inconclusive. Based on the available evidence, the clinical significance of this variant remains unclear.

NM_001365276.2(TNXB):c.6740T>G (p.Val2247Gly)

Gene: TNXB (tenascin XB; minus strand). Cytogenetic location: 6p21.33.
Variant type: single nucleotide variant.
Coding change: c.6740T>G on transcript NM_001365276.2 (MANE Select); coding-DNA position 6740, T replaced by G.
Protein change: p.Val2247Gly; replaces valine 2247 with glycine.
Molecular consequence: missense variant.
Genome position (GRCh38, 1-based): chr6:32,064,922, A>C on the plus strand (T>G on the coding strand, the complement: TNXB is on the minus strand). VCF-style: chr6-32064922-A-C. GRCh37 (hg19) VCF-style: chr6-32032699-A-C.
Other names: c.7481T>G, p.Val2494Gly (NM_001428335.1); c.6740T>G, p.Val2247Gly (NM_019105.8); short protein forms V2494G, V2247G.
Identifiers: ClinVar variation 3809382 (VCV003809382.1).
Genomic context (GRCh38, chr6:32,064,922, plus strand): 5'-CCGTGGAAGCCGTACAGGTTCATCTTGTACTTGTGGTCTGGCTCCAGGCCCGAGATGGTG[A>C]CCCCATCCTCGTGTCCCGGCACCCGCACCGCCTTGGGCTGCCCGTCCCCATTCTTAAACT-3'
Protein context (NP_001352205.1, residues 2237-2257): AVRVPGHEDG[Val2247Gly]TISGLEPDHK